The following is an entry in ClinVar:

NM_001197104.2(KMT2A):c.7106C>A (p.Ser2369Tyr)

Gene: KMT2A (lysine methyltransferase 2A; plus strand). Cytogenetic location: 11q23.3.
Variant type: single nucleotide variant.
Coding change: c.7106C>A on transcript NM_001197104.2 (MANE Select); coding-DNA position 7106, C replaced by A.
Protein change: p.Ser2369Tyr; replaces serine 2369 with tyrosine.
Molecular consequence: missense variant.
Genome position (GRCh38, 1-based): chr11:118,502,998, C>A. VCF-style: chr11-118502998-C-A. GRCh37 (hg19) VCF-style: chr11-118373713-C-A.
Other names: c.7196C>A, p.Ser2399Tyr (NM_001412597.1); c.7097C>A, p.Ser2366Tyr (NM_005933.4); short protein forms S2369Y, S2399Y, S2366Y.
Identifiers: ClinVar variation 3010918 (VCV003010918.4), dbSNP rs1472238690, ClinGen allele CA382804323.
Genomic context (GRCh38, chr11:118,502,998, plus strand): 5'-GTAAAATCGGCTCCTTTGCTGAACCCTCTTCAGTGTCGTTTTCTTCTAAAGAGGCCCTCT[C>A]CTTCCCACACCTCCATTTGAGAGGGCAAAGGAATGATCGAGACCAACACACAGATTCTAC-3'
Protein context (NP_001184033.1, residues 2359-2379): SVSFSSKEAL[Ser2369Tyr]FPHLHLRGQR

ClinVar aggregate classification (germline): Uncertain significance. Review status: criteria provided, multiple submitters, no conflicts (2 of 4 stars). 2 submissions from 2 submitters: Uncertain significance (2). Last evaluated 2025-08-26.

Conditions:
Inborn genetic diseases. Identifiers: MedGen C0950123, MeSH D030342.

Allele frequency attached by ClinVar (database versions not stated): TOPMed 0.00001.

Submissions (2):

Ambry Genetics
Classification: Uncertain significance for Inborn genetic diseases. Last evaluated: 2025-08-26. Review status: criteria provided, single submitter. Criteria: Ambry Variant Classification Scheme 2023. Collection method: clinical testing. Allele origin: germline.

Labcorp Genetics (formerly Invitae), Labcorp
Classification: Uncertain significance. Last evaluated: 2025-06-18. Review status: criteria provided, single submitter. Criteria: Invitae Variant Classification Sherloc (09022015). Collection method: clinical testing. Allele origin: germline.
Comment: This sequence change replaces serine, which is neutral and polar, with tyrosine, which is neutral and polar, at codon 2369 of the KMT2A protein (p.Ser2369Tyr). This variant is not present in population databases (gnomAD no frequency). This variant has not been reported in the literature in individuals affected with KMT2A-related conditions. ClinVar contains an entry for this variant (Variation ID: 3010918). Invitae Evidence Modeling of protein sequence and biophysical properties (such as structural, functional, and spatial information, amino acid conservation, physicochemical variation, residue mobility, and thermodynamic stability) indicates that this missense variant is not expected to disrupt KMT2A protein function with a negative predictive value of 95%. In summary, the available evidence is currently insufficient to determine the role of this variant in disease. Therefore, it has been classified as a Variant of Uncertain Significance.